The following is an entry in ClinVar:

ClinVar aggregate classification (germline): Uncertain significance (1 of 4 stars; one submission).

Conditions:
SEMA3F-related disorder. Also called: SEMA3F-related condition.

Submission:

PreventionGenetics, part of Exact Sciences
Classification: Uncertain significance for SEMA3F-related condition. Last evaluated: 2025-11-21. Review status: criteria provided, single submitter. Criteria: ACMG Guidelines, 2015. Collection method: clinical testing. Allele origin: germline.
Comment: The SEMA3F c.1421C>T variant is predicted to result in the amino acid substitution p.Ala474Val. To our knowledge, this variant has not been reported in the literature or in a large population database (gnomAD), indicating this variant is rare. At this time, the clinical significance of this variant is uncertain due to the absence of conclusive functional and genetic evidence.

NM_004186.5(SEMA3F):c.1421C>T (p.Ala474Val)

Gene: SEMA3F (semaphorin 3F; plus strand). Cytogenetic location: 3p21.31.
Variant type: single nucleotide variant.
Coding change: c.1421C>T on transcript NM_004186.5 (MANE Select); coding-DNA position 1421, C replaced by T.
Protein change: p.Ala474Val; replaces alanine 474 with valine.
Molecular consequence: missense variant.
Genome position (GRCh38, 1-based): chr3:50,184,779, C>T. VCF-style: chr3-50184779-C-T. GRCh37 (hg19) VCF-style: chr3-50222212-C-T.
Other names: c.1124C>T, p.Ala375Val (NM_001318798.2); c.1328C>T, p.Ala443Val (NM_001318800.2); short protein forms A443V, A375V, A474V.
Identifiers: ClinVar variation 5001460 (VCV005001460.1).
Genomic context (GRCh38, chr3:50,184,779, plus strand): 5'-TAGTCCGCACAGGTGCTCCCTACCGCCTTACCACTATTGCCGTGGACCAGGTGGATGCAG[C>T]CGACGGGCGCTATGAGGTGCTTTTCCTGGGCACAGGTACCCACTGCTGCTCCCGGCCTCT-3'
Protein context (NP_004177.3, residues 464-484): TTIAVDQVDA[Ala474Val]DGRYEVLFLG